The following is an entry in ClinVar:

NM_001365276.2(TNXB):c.2424_2425del (p.Gly809fs)

Gene: TNXB (tenascin XB; minus strand). Cytogenetic location: 6p21.33.
Variant type: Microsatellite.
Coding change: c.2424_2425del on transcript NM_001365276.2 (MANE Select); coding-DNA positions 2424 to 2425, 2 bases deleted (AG; older notation c.2424_2425delAG).
Protein change: p.Gly809fs; shifts the reading frame from glycine 809.
Molecular consequence: frameshift variant.
Genome position (GRCh38, 1-based): chr6:32,089,313-32,089,314, CT deleted on the plus strand (AG on the coding strand, the reverse complement: TNXB is on the minus strand); deleting any 2 consecutive bases within chr6:32,089,313-32,089,318 gives the same sequence; the c. name uses the placement nearest the transcript's 3' end. VCF-style (leftmost placement, unchanged base first): chr6-32089312-CCT-C. GRCh37 (hg19) VCF-style: chr6-32057089-CCT-C.
Other names: c.2424_2425del, p.Gly809fs (NM_001428335.1, NM_019105.8); short protein forms G809fs.
Identifiers: ClinVar variation 5016135 (VCV005016135.1).

ClinVar aggregate classification (germline): Pathogenic (1 of 4 stars; one submission).

Conditions:
Ehlers-Danlos syndrome due to tenascin-X deficiency (EDSCLL1). Also called: EDS DUE TO TNX DEFICIENCY; TNX DEFICIENCY; Ehlers-Danlos syndrome, classic-like, 1; EHLERS-DANLOS SYNDROME, CLASSIC-LIKE; TNXB-Related Classical-Like Ehlers-Danlos Syndrome. Identifiers: Orphanet 230839, MedGen C1848029, MONDO:0011670, OMIM 606408.

Submission:

Myriad Genetics, Inc.
Classification: Pathogenic for Ehlers-Danlos syndrome due to tenascin-X deficiency. Last evaluated: 2026-07-17. Review status: criteria provided, single submitter. Criteria: Myriad Autosomal Dominant, Autosomal Recessive and X-Linked Classification Criteria (2023). Collection method: clinical testing. Allele origin: unknown.
Comment: NM_019105.6(TNXB):c.2424_2425delAG(G809Tfs*57) is expected to be pathogenic in the context of classical-like Ehlers-Danlos syndrome, TNXB-related. This variant is predicted to lead to an abnormal or absent protein product due to the creation of a premature termination codon in TNXB, a gene where loss-of-function variants are known to be pathogenic. Please note: this variant was assessed in the context of healthy population screening.